The following is an entry in ClinVar:

NM_000465.4(BARD1):c.1306_1314+1delinsCC

Gene: BARD1 (BRCA1 associated RING domain 1; minus strand). Cytogenetic location: 2q35.
Variant type: Indel.
Coding change: c.1306_1314+1delinsCC on transcript NM_000465.4 (MANE Select); coding-DNA position 1306 through the canonical splice donor site of the intron after coding-DNA position 1314, TCTATTAAGG replaced by CC.
Molecular consequence: splice donor variant. On other transcripts: intron variant (3).
Genome position (GRCh38, 1-based): chr2:214,780,559-214,780,568, CCTTAATAGA replaced by GG on the plus strand (TCTATTAAGG replaced by CC on the coding strand, the reverse complement: BARD1 is on the minus strand). VCF-style: chr2-214780559-CCTTAATAGA-GG. GRCh37 (hg19) VCF-style: chr2-215645283-CCTTAATAGA-GG.
Other names: c.159-28013_159-28004delinsCC (NM_001282548.2); c.1249_1257+1delinsCC (NM_001282543.2); c.215+16493_215+16502delinsCC (NM_001282545.2); c.364+11729_364+11738delinsCC (NM_001282549.2).
Identifiers: ClinVar variation 4867381 (VCV004867381.1).

ClinVar aggregate classification (germline): Likely pathogenic (1 of 4 stars; one submission).

Conditions:
Hereditary cancer-predisposing syndrome. Also called: Neoplastic Syndromes, Hereditary; Tumor predisposition; Hereditary Cancer Syndrome; Hereditary neoplastic syndrome. Identifiers: Orphanet 140162, MedGen C0027672, MeSH D009386, MONDO:0015356.

Submission:

Ambry Genetics
Classification: Likely pathogenic for Hereditary cancer-predisposing syndrome. Last evaluated: 2026-03-17. Review status: criteria provided, single submitter. Criteria: Ambry Variant Classification Scheme 2023. Collection method: clinical testing. Allele origin: germline.
Comment: The c.1306_1314+1del10insCC variant results from a deletion of 10 nucleotides and insertion of 2 nucleotides at positions c.1306 to c.1314+1 and involves the canonical splice donor site after coding exon 4 of the BARD1 gene. The canonical splice donor site is highly conserved in available vertebrate species. In silico splice site analysis predicts that this alteration will weaken the native splice donor site; however, direct evidence is insufficient at this time (Ambry internal data). Variants that disrupt the canonical splice site are expected to cause aberrant splicing, resulting in an abnormal protein or a transcript that is subject to nonsense-mediated mRNA decay. As such, this variant is classified as likely pathogenic.